The following is an entry in ClinVar:

NM_000179.3(MSH6):c.3911G>A (p.Arg1304Lys)

Gene: MSH6 (mutS homolog 6; plus strand). Cytogenetic location: 2p16.3.
Variant type: single nucleotide variant.
Coding change: c.3911G>A on transcript NM_000179.3 (MANE Select); coding-DNA position 3911, G replaced by A.
Protein change: p.Arg1304Lys; replaces arginine 1304 with lysine.
Molecular consequence: missense variant.
Genome position (GRCh38, 1-based): chr2:47,806,561, G>A. VCF-style: chr2-47806561-G-A. GRCh37 (hg19) VCF-style: chr2-48033700-G-A.
Other names: p.R1304K:AGG>AAG; c.3521G>A, p.Arg1174Lys (NM_001281492.2); c.3005G>A, p.Arg1002Lys (NM_001281493.2, NM_001281494.2); short protein forms R1304K, R1174K, R1002K.
Identifiers: ClinVar variation 89479 (VCV000089479.37), dbSNP rs34625968, ClinGen allele CA014661.

ClinVar aggregate classification (germline): Likely benign. Review status: reviewed by expert panel (3 of 4 stars). 17 submissions from 17 submitters: Likely benign (1). 16 of the submissions do not count toward it. Last evaluated 2013-09-05.

Conditions:
Hereditary nonpolyposis colorectal neoplasms. Identifiers: MedGen C0009405, MeSH D003123.
Breast and/or ovarian cancer. Identifiers: MedGen CN221562.
Hereditary cancer-predisposing syndrome. Also called: Neoplastic Syndromes, Hereditary; Tumor predisposition; Hereditary Cancer Syndrome; Hereditary neoplastic syndrome. Identifiers: Orphanet 140162, MedGen C0027672, MeSH D009386, MONDO:0015356.
Lynch syndrome. Identifiers: Orphanet 144, MedGen C4552100, MONDO:0005835. Disease mechanism: loss of function.
Lynch syndrome 5 (LYNCH5). Also called: Hereditary non-polyposis colorectal cancer, type 5; Colorectal cancer, hereditary nonpolyposis, type 5. Identifiers: Orphanet 144, MedGen C1833477, MONDO:0013710, OMIM 614350. Disease mechanism: loss of function.

Allele frequency attached by ClinVar (database versions not stated): gnomAD exomes 0.00021 and 0.00054; ExAC 0.00077; gnomAD 0.00231 and 0.00253; TOPMed 0.00263; 1000 Genomes Project 30x 0.00265; 1000 Genomes Project 0.00280; ESP Exome Variant Server 0.00292.
gnomAD v4.1: 665 of 1,613,752 alleles (0.041%); highest among the groups gnomAD compares: African/African-American, 0.8%; 2 homozygotes.

Submissions (17):

International Society for Gastrointestinal Hereditary Tumours (InSiGHT)
Classification: Likely benign for Lynch Syndrome. Last evaluated: 2013-09-05. Review status: reviewed by expert panel. Criteria: Guidelines v1.9. Collection method: research. Allele origin: germline.
Comment: MAF >1% in African population

Classified with v1.9 guidelines

Labcorp Genetics (formerly Invitae), Labcorp
Classification: Benign for Hereditary nonpolyposis colorectal neoplasms. Last evaluated: 2026-02-04. Review status: criteria provided, single submitter. Criteria: Invitae Variant Classification Sherloc (09022015). Collection method: clinical testing. Allele origin: germline. Not counted in ClinVar's aggregate classification.

Dasa
Classification: Benign. Last evaluated: 2025-11-05. Review status: criteria provided, single submitter. Criteria: DASA Assertion Criteria. Collection method: clinical testing. Allele origin: germline. Not counted in ClinVar's aggregate classification.
Comment: NM_000179.3(MSH6):c.3911G>A (p.Arg1304Lys) is a missense variant that results in the substitution of arginine with lysine. Population frequency is inconsistent with a disease-causing role for this variant, and observations in unaffected individuals support a benign interpretation. Therefore, based on the currently available evidence, this variant is classified as benign.

Center for Genomic Medicine, Rigshospitalet, Copenhagen University Hospital
Classification: Likely benign. Last evaluated: 2025-03-04. Review status: criteria provided, single submitter. Criteria: ACMG Guidelines, 2015. Collection method: clinical testing. Allele origin: germline. Not counted in ClinVar's aggregate classification.

Myriad Genetics, Inc.
Classification: Benign for Lynch syndrome 5. Last evaluated: 2025-01-08. Review status: criteria provided, single submitter. Criteria: Myriad Autosomal Dominant, Autosomal Recessive and X-Linked Classification Criteria (2023). Collection method: clinical testing. Allele origin: unknown. Not counted in ClinVar's aggregate classification.
Comment: This variant is considered benign. This variant is strongly associated with less severe personal and family histories of cancer, typical for individuals without pathogenic variants in this gene [PMID: 27363726]. This variant has been observed at a population frequency that is significantly greater than expected given the associated disease prevalence and penetrance.

Blueprint Genetics
Classification: Likely benign. Last evaluated: 2024-11-26. Review status: criteria provided, single submitter. Criteria: ACMG Guidelines, 2015. Collection method: clinical testing. Allele origin: germline. Not counted in ClinVar's aggregate classification.

Institute for Biomarker Research, Medical Diagnostic Laboratories, L.L.C.
Classification: Benign for Hereditary cancer-predisposing syndrome. Last evaluated: 2023-09-12. Review status: criteria provided, single submitter. Criteria: ACMG Guidelines, 2015. Collection method: clinical testing. Allele origin: germline. Not counted in ClinVar's aggregate classification.

CHEO Genetics Diagnostic Laboratory, Children's Hospital of Eastern Ontario
Classification: Likely benign for Breast and/or ovarian cancer. Last evaluated: 2022-05-04. Review status: criteria provided, single submitter. Criteria: ACMG Guidelines, 2015. Collection method: clinical testing. Allele origin: germline. Not counted in ClinVar's aggregate classification.

Sema4
Classification: Benign for Hereditary cancer-predisposing syndrome. Last evaluated: 2020-10-23. Review status: criteria provided, single submitter. Criteria: Sema4 Curation Guidelines. Collection method: curation. Allele origin: germline. Not counted in ClinVar's aggregate classification.

GeneDx
Classification: Likely benign. Last evaluated: 2020-07-27. Review status: criteria provided, single submitter. Criteria: GeneDx Variant Classification Process June 2021. Collection method: clinical testing. Allele origin: germline. Affected: yes. Not counted in ClinVar's aggregate classification.
Comment: This variant is associated with the following publications: (PMID: 28531214, 21153778, 23047549, 22290698)

Mendelics
Classification: Likely benign for Lynch syndrome 5. Last evaluated: 2019-05-28. Review status: criteria provided, single submitter. Criteria: Mendelics Assertion Criteria 2017. Collection method: clinical testing. Allele origin: unknown. Not counted in ClinVar's aggregate classification.

Genetic Services Laboratory, University of Chicago
Classification: Benign. Last evaluated: 2018-07-20. Review status: criteria provided, single submitter. Criteria: ACMG Guidelines, 2015. Collection method: clinical testing. Allele origin: germline. Affected: no. Not counted in ClinVar's aggregate classification.

PreventionGenetics, part of Exact Sciences
Classification: Benign. Last evaluated: 2017-08-11. Review status: criteria provided, single submitter. Criteria: ACMG Guidelines, 2015. Collection method: clinical testing. Allele origin: germline. Not counted in ClinVar's aggregate classification.

Color Diagnostics, LLC DBA Color Health
Classification: Likely benign for Hereditary cancer-predisposing syndrome. Last evaluated: 2015-02-12. Review status: criteria provided, single submitter. Criteria: ACMG Guidelines, 2015. Collection method: clinical testing. Allele origin: germline. Not counted in ClinVar's aggregate classification.

Ambry Genetics
Classification: Benign for Hereditary cancer-predisposing syndrome. Last evaluated: 2014-11-18. Review status: criteria provided, single submitter. Criteria: Ambry Variant Classification Scheme 2023. Collection method: clinical testing. Allele origin: germline. Not counted in ClinVar's aggregate classification.

Department of Pathology and Laboratory Medicine, Sinai Health System
Classification: Uncertain significance. Review status: no assertion criteria provided. Collection method: clinical testing. Allele origin: unknown. Affected: yes. Observed: 1 variant allele. Study: The Canadian Open Genetics Repository (COGR). Not counted in ClinVar's aggregate classification.

Mayo Clinic Laboratories, Mayo Clinic
Classification: Uncertain significance. Review status: no assertion criteria provided. Collection method: clinical testing. Allele origin: unknown. Not counted in ClinVar's aggregate classification.

Literature cited by the submitters: PubMed 27363726 (cited by Myriad Genetics, Inc.).